The following is an entry in ClinVar:

NM_001174089.2(SLC4A11):c.949-2A>T

Gene: SLC4A11 (solute carrier family 4 member 11; minus strand). Cytogenetic location: 20p13.
Variant type: single nucleotide variant.
Coding change: c.949-2A>T on transcript NM_001174089.2 (MANE Select); the canonical splice acceptor site of the intron before coding-DNA position 949, A replaced by T.
Molecular consequence: splice acceptor variant.
Genome position (GRCh38, 1-based): chr20:3,231,244, T>A on the plus strand (A>T on the coding strand, the complement: SLC4A11 is on the minus strand). VCF-style: chr20-3231244-T-A. GRCh37 (hg19) VCF-style: chr20-3211890-T-A.
Other names: c.892-2A>T (NM_001400277.1, NM_001400278.1, NM_001400279.1); c.949-2A>T (NM_001363745.2); c.1078-2A>T (NM_001400280.1, NM_001174090.2); c.997-2A>T (NM_032034.4).
Identifiers: ClinVar variation 1067812 (VCV001067812.8), dbSNP rs2122554995, ClinGen allele CA408089678.

ClinVar aggregate classification (germline): Likely pathogenic (1 of 4 stars; one submission).

Submission:

Labcorp Genetics (formerly Invitae), Labcorp
Classification: Likely pathogenic. Last evaluated: 2020-02-11. Review status: criteria provided, single submitter. Criteria: Invitae Variant Classification Sherloc (09022015). Collection method: clinical testing. Allele origin: germline.
Comment: This sequence change affects an acceptor splice site in intron 7 of the SLC4A11 gene. It is expected to disrupt RNA splicing and likely results in an absent or disrupted protein product. This variant is not present in population databases (ExAC no frequency). This variant has not been reported in the literature in individuals with SLC4A11-related conditions. Algorithms developed to predict the effect of sequence changes on RNA splicing suggest that this variant may disrupt the consensus splice site, but this prediction has not been confirmed by published transcriptional studies. Donor and acceptor splice site variants typically lead to a loss of protein function (PMID: 16199547), and loss-of-function variants in SLC4A11 are known to be pathogenic (PMID: 17220209, 17679935). In summary, the currently available evidence indicates that the variant is pathogenic, but additional data are needed to prove that conclusively. Therefore, this variant has been classified as Likely Pathogenic.

Literature cited by the submitters: PubMed 16199547; PubMed 17220209; PubMed 17679935.